The following is an entry in ClinVar:

ClinVar aggregate classification (germline): Uncertain significance. Review status: criteria provided, multiple submitters, no conflicts (2 of 4 stars). 3 submissions from 3 submitters: Uncertain significance (3). Last evaluated 2024-11-15.

Conditions:
Inborn genetic diseases. Identifiers: MedGen C0950123, MeSH D030342.
Sideroblastic anemia 2. Also called: Anemia, sideroblastic, 2, pyridoxine-refractory. Identifiers: Orphanet 260305, MedGen C4225425, MONDO:0008785, OMIM 205950.

Allele frequency attached by ClinVar (database versions not stated): ESP Exome Variant Server 0.00023; TOPMed 0.00023; gnomAD 0.00029 and 0.00030; gnomAD exomes 0.00029 and 0.00037; 1000 Genomes Project 30x 0.00031; ExAC 0.00033; 1000 Genomes Project 0.00040.
gnomAD v4.1: 462 of 1,613,990 alleles (0.029%); highest among the groups gnomAD compares: Admixed American, 0.065%; no homozygotes.

Submissions (3):

Ambry Genetics
Classification: Uncertain significance for Inborn genetic diseases. Last evaluated: 2024-11-15. Review status: criteria provided, single submitter. Criteria: Ambry Variant Classification Scheme 2023. Collection method: clinical testing. Allele origin: germline.

Labcorp Genetics (formerly Invitae), Labcorp
Classification: Uncertain significance. Last evaluated: 2022-08-23. Review status: criteria provided, single submitter. Criteria: Invitae Variant Classification Sherloc (09022015). Collection method: clinical testing. Allele origin: germline.
Comment: This sequence change replaces valine, which is neutral and non-polar, with alanine, which is neutral and non-polar, at codon 101 of the SLC25A38 protein (p.Val101Ala). This variant is present in population databases (rs141545606, gnomAD 0.1%). This variant has not been reported in the literature in individuals affected with SLC25A38-related conditions. ClinVar contains an entry for this variant (Variation ID: 899962). Algorithms developed to predict the effect of missense changes on protein structure and function are either unavailable or do not agree on the potential impact of this missense change (SIFT: "Tolerated"; PolyPhen-2: "Possibly Damaging"; Align-GVGD: "Class C0"). In summary, the available evidence is currently insufficient to determine the role of this variant in disease. Therefore, it has been classified as a Variant of Uncertain Significance.

Illumina Laboratory Services, Illumina
Classification: Uncertain significance for Sideroblastic anemia 2. Last evaluated: 2018-01-13. Review status: criteria provided, single submitter. Criteria: ICSL Variant Classification Criteria 13 December 2019. Collection method: clinical testing. Allele origin: germline.

NM_017875.4(SLC25A38):c.302T>C (p.Val101Ala)

Gene: SLC25A38 (solute carrier family 25 member 38; plus strand). Cytogenetic location: 3p22.1.
Variant type: single nucleotide variant.
Coding change: c.302T>C on transcript NM_017875.4 (MANE Select); coding-DNA position 302, T replaced by C.
Protein change: p.Val101Ala; replaces valine 101 with alanine.
Molecular consequence: missense variant.
Genome position (GRCh38, 1-based): chr3:39,391,466, T>C. VCF-style: chr3-39391466-T-C. GRCh37 (hg19) VCF-style: chr3-39432957-T-C.
Other names: c.302T>C, p.Val101Ala (NM_001354798.2); short protein forms V101A.
Identifiers: ClinVar variation 899962 (VCV000899962.6), dbSNP rs141545606, ClinGen allele CA2327424.